The following is an entry in ClinVar:

NM_015057.5(MYCBP2):c.8691G>A (p.Thr2897=)

Gene: MYCBP2 (MYC binding protein 2; minus strand). Cytogenetic location: 13q22.3.
Variant type: single nucleotide variant.
Coding change: c.8691G>A on transcript NM_015057.5 (MANE Select); coding-DNA position 8691, G replaced by A.
Protein change: p.Thr2897=; no amino-acid change (threonine 2897 retained).
Molecular consequence: synonymous variant.
Genome position (GRCh38, 1-based): chr13:77,098,463, C>T on the plus strand (G>A on the coding strand, the complement: MYCBP2 is on the minus strand). VCF-style: chr13-77098463-C-T. GRCh37 (hg19) VCF-style: chr13-77672598-C-T.
Other names: c.8691G>A (NM_015057.4).
Identifiers: ClinVar variation 2643856 (VCV002643856.25), dbSNP rs150009936, ClinGen allele CA7008616.

ClinVar aggregate classification (germline): Likely benign. Review status: criteria provided, single submitter (1 of 4 stars). 2 submissions from 2 submitters: Likely benign (1). 1 of the submissions does not count toward it. Last evaluated 2022-06-01.

Conditions:
MYCBP2-related disorder. Also called: MYCBP2-related condition.

Allele frequency attached by ClinVar (database versions not stated): gnomAD exomes 0.00015; ExAC 0.00030; ESP Exome Variant Server 0.00092; 1000 Genomes Project 30x 0.00094; gnomAD 0.00105; 1000 Genomes Project 0.00120; TOPMed 0.00149.
gnomAD v4.1: 384 of 1,613,602 alleles (0.024%); highest among the groups gnomAD compares: African/African-American, 0.43%; 3 homozygotes.

Submissions (2):

CeGaT Center for Human Genetics Tuebingen
Classification: Likely benign. Last evaluated: 2022-06-01. Review status: criteria provided, single submitter. Criteria: CeGaT Center For Human Genetics Tuebingen Variant Classification Criteria Version 2. Collection method: clinical testing. Allele origin: germline. Affected: yes. Observed: 2 variant alleles.
Comment: MYCBP2: BP4, BP7

PreventionGenetics, part of Exact Sciences
Classification: Likely benign for MYCBP2-related condition. Last evaluated: 2022-02-04. Review status: no assertion criteria provided. Collection method: clinical testing. Allele origin: germline. Not counted in ClinVar's aggregate classification.
Comment: This variant is classified as likely benign based on ACMG/AMP sequence variant interpretation guidelines (Richards et al. 2015 PMID: 25741868, with internal and published modifications).